The following is an entry in ClinVar:

NM_001987.5(ETV6):c.605_613dup (p.Pro204_Leu205insArgSerPro)

Gene: ETV6 (ETS variant transcription factor 6; plus strand). Cytogenetic location: 12p13.2.
Variant type: Duplication.
Coding change: c.605_613dup on transcript NM_001987.5 (MANE Select); coding-DNA positions 605 to 613, 9 bases duplicated (GGTCCCCCC; older notation c.605_613dupGGTCCCCCC).
Protein change: p.Pro204_Leu205insArgSerPro.
Molecular consequence: inframe indel (on NM_001987.4).
Genome position (GRCh38, 1-based): chr12:11,869,565-11,869,573, GGTCCCCCC duplicated; duplicating any 9 consecutive bases within chr12:11,869,563-11,869,573 gives the same sequence; the c. name uses the placement nearest the transcript's 3' end. VCF-style (leftmost placement, unchanged base first): chr12-11869562-T-TCCGGTCCCC. GRCh37 (hg19) VCF-style: chr12-12022496-T-TCCGGTCCCC.
Other names: p.Arg202_Pro204dup; c.605_613dupGGTCCCCCC (NM_001987.4); c.605_613dup9 (NM_001987.4); c.602_610dup, p.Pro203_Leu204insArgSerPro (NM_001413913.1); c.578_586dup, p.Pro195_Leu196insArgSerPro (NM_001413914.1); c.341_349dup, p.Pro116_Leu117insArgSerPro (NM_001413915.1); c.605_613dup, p.Pro204_Leu205insArgSerPro (NM_001413916.1, NM_001413917.1).
Identifiers: ClinVar variation 4020037 (VCV004020037.3).
Genomic context (GRCh38, chr12:11,869,562, plus strand): 5'-GCTCCAGGTCACCTATCACGACAAATCACCGGCCTTCTCCTGACCCCGAGCAGCGGCCCC[T>TCCGGTCCCC]CCGGTCCCCCCTGGACAACATGATCCGCCGCCTCTCCCCGGCTGAGAGAGCTCAGGGACC-3'

ClinVar aggregate classification (germline): Uncertain significance. Review status: criteria provided, multiple submitters, no conflicts (2 of 4 stars). 3 submissions from 3 submitters: Uncertain significance (3). Last evaluated 2026-07-20.

Conditions:
ETV6-related disorder. Also called: ETV6-related condition.
Inborn genetic diseases. Identifiers: MedGen C0950123, MeSH D030342.

Submissions (3):

PreventionGenetics, part of Exact Sciences
Classification: Uncertain significance for ETV6-related condition. Last evaluated: 2026-07-20. Review status: criteria provided, single submitter. Criteria: ACMG Guidelines, 2015. Collection method: clinical testing. Allele origin: germline.
Comment: The ETV6 c.605_613dup9 variant is predicted to result in an in-frame duplication (p.Arg202_Pro204dup). To our knowledge, this variant has not been reported in the literature. This variant is reported in 0.0018% of alleles in individuals of European (Non-Finnish) descent in gnomAD. At this time, the clinical significance of this variant is uncertain due to the absence of conclusive functional and genetic evidence.

Mayo Clinic Laboratories, Mayo Clinic
Classification: Uncertain significance. Last evaluated: 2025-09-25. Review status: criteria provided, single submitter. Criteria: ACMG Guidelines, 2015. Collection method: clinical testing. Allele origin: germline. Observed: 1 variant allele.
Comment: PM2_supporting, PM4

Ambry Genetics
Classification: Uncertain significance for Inborn genetic diseases. Last evaluated: 2025-05-06. Review status: criteria provided, single submitter. Criteria: Ambry Variant Classification Scheme 2023. Collection method: clinical testing. Allele origin: germline.
Comment: The c.605_613dupGGTCCCCCC variant (also known as p.R202_P204dup), located in coding exon 5 of the ETV6 gene, results from an in-frame duplication of GGTCCCCCC at nucleotide positions 605 to 613. This results in the duplication of 3 extra residues (RSP) between codons 202 and 204. This amino acid region is well conserved in available vertebrate species. In addition, the in silico prediction for this alteration is inconclusive (Choi Y et al. PLoS ONE. 2012; 7(10):e46688). Based on the available evidence, the clinical significance of this variant remains unclear.